The following is an entry in ClinVar:

NG_008852.1:g.[135909G>T;8170_32961del24792]

Variant type: Haplotype.
Identifiers: ClinVar variation 377381 (VCV000377381.2).

ClinVar aggregate classification (germline): Pathogenic (0 of 4 stars; one submission).

Conditions:
Leprechaunism syndrome. Also called: Donohue syndrome; LEPRECHAUNISM. Identifiers: Orphanet 508, MedGen C0265344, MONDO:0009517, OMIM 246200.

Submission:

Medical Research Institute, Tokyo Medical and Dental University
Classification: Pathogenic for Leprechaunism syndrome. Last evaluated: 2014-06-02. Review status: no assertion criteria provided. Collection method: research. Allele origin: germline. Affected: yes. Observed: 1 variant allele.
Comment: This mutaion was confirmed compound heterozygosity.

Sanger sequencing.

Literature cited by the submitters: PubMed 28765322.